The following is an entry in ClinVar:

ClinVar aggregate classification (germline): Uncertain significance (1 of 4 stars; one submission).

Submission:

Labcorp Genetics (formerly Invitae), Labcorp
Classification: Uncertain significance. Last evaluated: 2022-10-19. Review status: criteria provided, single submitter. Criteria: Invitae Variant Classification Sherloc (09022015). Collection method: clinical testing. Allele origin: germline.
Comment: In summary, the available evidence is currently insufficient to determine the role of this variant in disease. Therefore, it has been classified as a Variant of Uncertain Significance. Algorithms developed to predict the effect of missense changes on protein structure and function (SIFT, PolyPhen-2, Align-GVGD) all suggest that this variant is likely to be disruptive. This sequence change replaces arginine, which is basic and polar, with tryptophan, which is neutral and slightly polar, at codon 671 of the SALL2 protein (p.Arg671Trp). This variant is not present in population databases (gnomAD no frequency). This variant has not been reported in the literature in individuals affected with SALL2-related conditions.

NM_001364564.1(SALL2):c.2005A>T (p.Arg669Trp)

Gene: SALL2 (spalt like transcription factor 2; minus strand). Cytogenetic location: 14q11.2.
Variant type: single nucleotide variant.
Coding change: c.2005A>T on transcript NM_001364564.1 (MANE Select); coding-DNA position 2005, A replaced by T.
Protein change: p.Arg669Trp; replaces arginine 669 with tryptophan.
Molecular consequence: missense variant.
Genome position (GRCh38, 1-based): chr14:21,523,717, T>A on the plus strand (A>T on the coding strand, the complement: SALL2 is on the minus strand). VCF-style: chr14-21523717-T-A. GRCh37 (hg19) VCF-style: chr14-21991851-T-A.
Other names: c.1606A>T, p.Arg536Trp (NM_001291446.2); c.1600A>T, p.Arg534Trp (NM_001291447.2); c.2011A>T, p.Arg671Trp (NM_005407.3); short protein forms R534W, R669W, R671W, R536W.
Identifiers: ClinVar variation 2807808 (VCV002807808.3), dbSNP rs1892151116, ClinGen allele CA388910321.